The following is an entry in ClinVar:

NM_001943.5(DSG2):c.373T>C (p.Phe125Leu)

Gene: DSG2 (desmoglein 2; plus strand). Cytogenetic location: 18q12.1.
Variant type: single nucleotide variant.
Coding change: c.373T>C on transcript NM_001943.5 (MANE Select); coding-DNA position 373, T replaced by C.
Protein change: p.Phe125Leu; replaces phenylalanine 125 with leucine.
Molecular consequence: missense variant.
Genome position (GRCh38, 1-based): chr18:31,520,959, T>C. VCF-style: chr18-31520959-T-C. GRCh37 (hg19) VCF-style: chr18-29100922-T-C.
Other names: short protein forms F125L.
Identifiers: ClinVar variation 3377016 (VCV003377016.2).
Genomic context (GRCh38, chr18:31,520,959, plus strand): 5'-AACAAAGATACTGGAGAACTGAATGTTACCAGCATTCTTGATCGAGAAGAAACACCATTT[T>C]TTCTGGTAAGAAGAATAATTTTAGATTTATTAGTTTGTAGTTTTTCTGTCATAATAAGTG-3'
Protein context (NP_001934.2, residues 115-135): SILDREETPF[Phe125Leu]LLTGYALDAR

ClinVar aggregate classification (germline): Uncertain significance. Review status: criteria provided, multiple submitters, no conflicts (2 of 4 stars). 2 submissions from 2 submitters: Uncertain significance (2). Last evaluated 2024-11-13.

Conditions:
Dilated cardiomyopathy 1BB (CMD1BB). Also called: CARDIOMYOPATHY, DILATED, 1BB, SUSCEPTIBILITY TO. Identifiers: Orphanet 154, MedGen C2752072, MONDO:0013030, OMIM 612877.
Cardiovascular phenotype. Identifiers: MedGen CN230736.

gnomAD v4.1: 16 of 1,613,608 alleles (0.00099%); highest among the groups gnomAD compares: Non-Finnish European, 0.0014%; no homozygotes.

Submissions (2):

Ambry Genetics
Classification: Uncertain significance for Cardiovascular phenotype. Last evaluated: 2024-11-13. Review status: criteria provided, single submitter. Criteria: Ambry Variant Classification Scheme 2023. Collection method: clinical testing. Allele origin: germline.
Comment: The p.F125L variant (also known as c.373T>C), located in coding exon 4 of the DSG2 gene, results from a T to C substitution at nucleotide position 373. The phenylalanine at codon 125 is replaced by leucine, an amino acid with highly similar properties. This amino acid position is conserved. In addition, this alteration is predicted to be tolerated by in silico analysis. Based on the available evidence, the clinical significance of this variant remains unclear.

Victorian Clinical Genetics Services, Murdoch Childrens Research Institute
Classification: Uncertain significance for Dilated cardiomyopathy 1BB. Last evaluated: 2021-05-06. Review status: criteria provided, single submitter. Criteria: ACMG Guidelines, 2015. Collection method: clinical testing. Allele origin: germline. Affected: yes.
Comment: Based on the classification scheme VCGS_Germline_v1.3.4, this variant is classified as VUS-3B. Following criteria are met: 0103 - Loss of function and gain of function are reported mechanisms of disease in this gene and are associated with arrhythmogenic right ventricular dysplasia 10 (ARVD; MIM#610193) and dilated cardiomyopathy 1BB (DCM; MIM#612877) (ClinVar, PMID: 23071725). (I) 0108 - This gene is associated with both recessive and dominant disease. It is commonly associated to dominant inheritance, however recessive inheritance has been reported in individuals with severe DCM (OMIM). (I) 0112 - The ARVD condition associated with this gene has incomplete penetrance (OMIM). (I) 0200 - Variant is predicted to result in a missense amino acid change from phenylalanine to leucine. (I) 0251 - This variant is heterozygous. (I) 0301 - Variant is absent from gnomAD (both v2 and v3). (SP) 0502 - Missense variant with conflicting in silico predictions and uninformative conservation. (I) 0600 - Variant is located in the annotated cadherin repeat domain (Uniprot, NCBI). (I) 0705 - No comparable missense variants have previous evidence for pathogenicity. (I) 0807 - This variant has no previous evidence of pathogenicity. (I) 0905 - No published segregation evidence has been identified for this variant. (I) 1007 - No published functional evidence has been identified for this variant. (I) 1208 - Inheritance information for this variant is not currently available in this individual. (I) Legend: (SP) - Supporting pathogenic, (I) - Information, (SB) - Supporting benign

Literature cited by the submitters: PubMed 23071725 (cited by Victorian Clinical Genetics Services, Murdoch Childrens Research Institute).